The following is an entry in ClinVar:

ClinVar aggregate classification (germline): Likely benign (1 of 4 stars; one submission).

Submission:

CeGaT Center for Human Genetics Tuebingen
Classification: Likely benign. Last evaluated: 2025-06-01. Review status: criteria provided, single submitter. Criteria: CeGaT Center For Human Genetics Tuebingen Variant Classification Criteria Version 2. Collection method: clinical testing. Allele origin: germline. Affected: yes. Observed: 2 variant alleles.
Comment: GRIN2B: PM2, PP2, BS2

NM_000834.5(GRIN2B):c.2950C>T (p.His984Tyr)

Gene: GRIN2B (glutamate ionotropic receptor NMDA type subunit 2B; minus strand). Cytogenetic location: 12p13.1.
Variant type: single nucleotide variant.
Coding change: c.2950C>T on transcript NM_000834.5 (MANE Select); coding-DNA position 2950, C replaced by T.
Protein change: p.His984Tyr; replaces histidine 984 with tyrosine.
Molecular consequence: missense variant.
Genome position (GRCh38, 1-based): chr12:13,564,288, G>A on the plus strand (C>T on the coding strand, the complement: GRIN2B is on the minus strand). VCF-style: chr12-13564288-G-A. GRCh37 (hg19) VCF-style: chr12-13717222-G-A.
Other names: c.2950C>T, p.His984Tyr (NM_001413992.1); short protein forms H984Y.
Identifiers: ClinVar variation 3389436 (VCV003389436.14).
Genomic context (GRCh38, chr12:13,564,288, plus strand): 5'-AGAGCCCATCGATGGAGCTGGCACTGCCAATACTATGGGGCCGGTGGTGATGGTGGTAGT[G>A]ATCTTGGTACACGTTGCTGTCCTTCAGCTGCAGGTTCCCGAACGTTCTCTCTACCTCACT-3'
Protein context (NP_000825.2, residues 974-994): QLKDSNVYQD[His984Tyr]YHHHHRPHSI